The following is an entry in ClinVar:

NM_024514.5(CYP2R1):c.595C>T (p.Arg199Ter)

Genes: CYP2R1 (cytochrome P450 family 2 subfamily R member 1; minus strand), PDE3B (phosphodiesterase 3B; plus strand). Cytogenetic location: 11p15.2.
Variant type: single nucleotide variant.
Coding change: c.595C>T on transcript NM_024514.5 (MANE Select); coding-DNA position 595, C replaced by T.
Protein change: p.Arg199Ter; replaces arginine 199 with a stop codon.
Molecular consequence: nonsense.
Genome position (GRCh38, 1-based): chr11:14,880,541, G>A on the plus strand (C>T on the coding strand, the complement: CYP2R1 is on the minus strand). VCF-style: chr11-14880541-G-A. GRCh37 (hg19) VCF-style: chr11-14902087-G-A.
Other names: c.595C>T (NM_024514.4); c.250C>T, p.Arg84Ter (NM_001377214.1, NM_001377215.1, NM_001377216.1 and 1 more transcripts); c.433C>T, p.Arg145Ter (NM_001377217.1); short protein forms R145*, R199*, R84*.
Identifiers: ClinVar variation 1332743 (VCV001332743.7), dbSNP rs782285382, ClinGen allele CA5896657.

ClinVar aggregate classification (germline): Pathogenic/Likely pathogenic. Review status: criteria provided, multiple submitters, no conflicts (2 of 4 stars). 3 submissions from 3 submitters: Pathogenic (1); Likely pathogenic (2). Last evaluated 2026-03-20.

Conditions:
Vitamin D hydroxylation-deficient rickets, type 1B. Also called: Rickets due to Defect in Vitamin D 25-hydroxylation; PSEUDOVITAMIN D3 DEFICIENCY RICKETS DUE TO 25-HYDROXYLASE DEFICIENCY; VITAMIN D-DEPENDENT RICKETS, TYPE 1B. Identifiers: Orphanet 289157, MedGen C1838657, MONDO:0010810, OMIM 600081.

Allele frequency attached by ClinVar (database versions not stated): gnomAD 0.00001; ExAC 0.00002; gnomAD exomes 0.00001; TOPMed 0.00001.
gnomAD v4.1: 10 of 1,613,230 alleles (0.00062%); highest among the groups gnomAD compares: Non-Finnish European, 0.00085%; no homozygotes.

Submissions (3):

GeneDx
Classification: Likely pathogenic. Last evaluated: 2026-03-20. Review status: criteria provided, single submitter. Criteria: GeneDx Variant Classification Process June 2021. Collection method: clinical testing. Allele origin: germline.
Comment: Reported along with a second variant in the CYP2R1 gene in a patient with wrist widening, osteopenia, frayed and/or irregular metaphyses and bowing of lower limbs in the published literature; however, segregation information was not provided (PMID: 36692815); Nonsense variant predicted to result in protein truncation or nonsense mediated decay in a gene for which loss of function is a known mechanism of disease; Not observed at significant frequency in large population cohorts (gnomAD); This variant is associated with the following publications: (PMID: 22855339, 25942481, 33715104, 15128933, 36692815)

Labcorp Genetics (formerly Invitae), Labcorp
Classification: Pathogenic. Last evaluated: 2022-11-21. Review status: criteria provided, single submitter. Criteria: Invitae Variant Classification Sherloc (09022015). Collection method: clinical testing. Allele origin: germline.
Comment: For these reasons, this variant has been classified as Pathogenic. ClinVar contains an entry for this variant (Variation ID: 1332743). This variant has not been reported in the literature in individuals affected with CYP2R1-related conditions. This variant is present in population databases (rs782285382, gnomAD 0.003%). This sequence change creates a premature translational stop signal (p.Arg199*) in the CYP2R1 gene. It is expected to result in an absent or disrupted protein product. Loss-of-function variants in CYP2R1 are known to be pathogenic (PMID: 15128933, 22855339, 25942481, 33715104).

Kasturba Medical College, Manipal, Kasturba Medical College, Manipal, Manipal Academy of Higher Education, Manipal, India
Classification: Likely pathogenic for Vitamin D hydroxylation-deficient rickets, type 1B. Review status: criteria provided, single submitter. Criteria: ACMG Guidelines, 2015. Collection method: clinical testing. Allele origin: inherited. Inheritance: Autosomal recessive inheritance. Affected: yes.

Literature cited by the submitters: PubMed 15128933 (cited by Labcorp Genetics (formerly Invitae), Labcorp and Kasturba Medical College, Manipal, Kasturba Medical College, Manipal, Manipal Academy of Higher Education, Manipal, India); PubMed 22855339 (cited by Labcorp Genetics (formerly Invitae), Labcorp); PubMed 25942481 (cited by Labcorp Genetics (formerly Invitae), Labcorp); PubMed 33715104 (cited by Labcorp Genetics (formerly Invitae), Labcorp).